The following is an entry in ClinVar:

ClinVar aggregate classification (germline): Conflicting classifications of pathogenicity. Review status: criteria provided, conflicting classifications (1 of 4 stars). 4 submissions from 4 submitters: Uncertain significance (1); Likely benign (3). Last evaluated 2026-01-28.

Conditions:
SKIC3-related disorder. Also called: SKIC3-related condition.

Allele frequency attached by ClinVar (database versions not stated): TOPMed 0.00053; gnomAD 0.00068 and 0.00071; gnomAD exomes 0.00074; ExAC 0.00096; ESP Exome Variant Server 0.00115.
gnomAD v4.1: 1,397 of 1,613,602 alleles (0.087%); highest among the groups gnomAD compares: Non-Finnish European, 0.11%; 3 homozygotes.

Submissions (7):

Labcorp Genetics (formerly Invitae), Labcorp
Classification: Likely benign. Last evaluated: 2026-01-28. Review status: criteria provided, single submitter. Criteria: Invitae Variant Classification Sherloc (09022015). Collection method: clinical testing. Allele origin: germline.

PreventionGenetics, part of Exact Sciences
Classification: Likely benign for SKIC3-related condition. Last evaluated: 2024-11-18. Review status: criteria provided, single submitter. Criteria: ACMG Guidelines, 2015. Collection method: clinical testing. Allele origin: germline.
Comment: This variant is classified as likely benign based on ACMG/AMP sequence variant interpretation guidelines (Richards et al. 2015 PMID: 25741868, with internal and published modifications).

Blueprint Genetics
Classification: Likely benign. Last evaluated: 2024-09-12. Review status: criteria provided, single submitter. Criteria: ACMG Guidelines, 2015. Collection method: clinical testing. Allele origin: germline.

Mayo Clinic Laboratories, Mayo Clinic
Classification: Uncertain significance. Last evaluated: 2020-06-10. Review status: criteria provided, single submitter. Criteria: ACMG Guidelines, 2015. Collection method: clinical testing. Allele origin: germline. Observed: 1 variant allele.

Dr. Peter K. Rogan Lab, Western University
No classification provided (evidence only). Condition: Melanoma. Review status: no classification provided. Collection method: in vitro. Allele origin: not applicable. Functional consequence: retained intron. Not counted in ClinVar's aggregate classification.

Dr. Peter K. Rogan Lab, Western University
No classification provided (evidence only). Condition: Familial cancer of breast. Review status: no classification provided. Collection method: in vitro. Allele origin: not applicable. Functional consequence: retained intron. Not counted in ClinVar's aggregate classification.

Dr. Peter K. Rogan Lab, Western University
No classification provided (evidence only). Condition: Hepatocellular carcinoma. Review status: no classification provided. Collection method: in vitro. Allele origin: not applicable. Functional consequence: retained intron. Not counted in ClinVar's aggregate classification.

NM_014639.4(SKIC3):c.1938C>T (p.Gly646=)

Gene: SKIC3 (SKI3 subunit of superkiller complex; minus strand). Cytogenetic location: 5q15.
Variant type: single nucleotide variant.
Coding change: c.1938C>T on transcript NM_014639.4 (MANE Select); coding-DNA position 1938, C replaced by T.
Protein change: p.Gly646=; no amino-acid change (glycine 646 retained).
Molecular consequence: synonymous variant.
Genome position (GRCh38, 1-based): chr5:95,522,127, G>A on the plus strand (C>T on the coding strand, the complement: SKIC3 is on the minus strand). VCF-style: chr5-95522127-G-A. GRCh37 (hg19) VCF-style: chr5-94857831-G-A.
Identifiers: ClinVar variation 707765 (VCV000707765.19), dbSNP rs149655074, ClinGen allele CA3347206.